The following is an entry in ClinVar:

NM_005506.4(SCARB2):c.956del (p.Leu319fs)

Gene: SCARB2 (scavenger receptor class B member 2; minus strand). Cytogenetic location: 4q21.1.
Variant type: Deletion.
Coding change: c.956del on transcript NM_005506.4 (MANE Select); coding-DNA position 956, one base deleted (T; older notation c.956delT).
Protein change: p.Leu319fs; shifts the reading frame from leucine 319.
Molecular consequence: frameshift variant.
Genome position (GRCh38, 1-based): chr4:76,174,182, A deleted on the plus strand (T on the coding strand, the reverse complement: SCARB2 is on the minus strand). VCF-style (leftmost placement, unchanged base first): chr4-76174181-CA-C. GRCh37 (hg19) VCF-style: chr4-77095334-CA-C.
Other names: c.527del, p.Leu176fs (NM_001204255.2); short protein forms L176fs, L319fs.
Identifiers: ClinVar variation 971806 (VCV000971806.12), dbSNP rs1732195544, ClinGen allele CA1139658522.

ClinVar aggregate classification (germline): Pathogenic. Review status: criteria provided, multiple submitters, no conflicts (2 of 4 stars). 2 submissions from 2 submitters: Pathogenic (2). Last evaluated 2023-07-07.

Conditions:
Progressive myoclonic epilepsy. Also called: Familial progressive myoclonic epilepsy; Progressive myoclonus epilepsy; Myoclonic Epilepsies, Progressive; Myoclonus epilepsy. Identifiers: Orphanet 308, Orphanet 98261, MedGen C0751778, MONDO:0020074.
Action myoclonus-renal failure syndrome. Also called: EPILEPSY, PROGRESSIVE MYOCLONIC, 4, WITH RENAL FAILURE; EPILEPSY, PROGRESSIVE MYOCLONIC, 4, WITHOUT RENAL FAILURE; SCARB2-Related Action Myoclonus-Renal Failure Syndrome; MYOCLONUS-NEPHROPATHY SYNDROME. Identifiers: Orphanet 163696, MedGen C0751779, MeSH D020191, MONDO:0009699, OMIM 254900.

Submissions (2):

Labcorp Genetics (formerly Invitae), Labcorp
Classification: Pathogenic for Progressive myoclonic epilepsy. Last evaluated: 2023-07-07. Review status: criteria provided, single submitter. Criteria: Invitae Variant Classification Sherloc (09022015). Collection method: clinical testing. Allele origin: germline.
Comment: For these reasons, this variant has been classified as Pathogenic. Algorithms developed to predict the effect of sequence changes on RNA splicing suggest that this variant may disrupt the consensus splice site. ClinVar contains an entry for this variant (Variation ID: 971806). This variant has not been reported in the literature in individuals affected with SCARB2-related conditions. This variant is not present in population databases (gnomAD no frequency). This sequence change creates a premature translational stop signal (p.Leu319Argfs*6) in the SCARB2 gene. It is expected to result in an absent or disrupted protein product. Loss-of-function variants in SCARB2 are known to be pathogenic (PMID: 19847901).

Revvity Omics, Revvity
Classification: Pathogenic for Action myoclonus-renal failure syndrome. Last evaluated: 2019-08-21. Review status: criteria provided, single submitter. Criteria: ACMG Guidelines, 2015. Collection method: clinical testing. Allele origin: germline.

Literature cited by the submitters: PubMed 19847901 (cited by Labcorp Genetics (formerly Invitae), Labcorp).